The following is an entry in ClinVar:

NM_000416.3(IFNGR1):c.40G>A (p.Val14Met)

Gene: IFNGR1 (interferon gamma receptor 1; minus strand). Cytogenetic location: 6q23.3.
Variant type: single nucleotide variant.
Coding change: c.40G>A on transcript NM_000416.3 (MANE Select); coding-DNA position 40, G replaced by A.
Protein change: p.Val14Met; replaces valine 14 with methionine.
Molecular consequence: missense variant.
Genome position (GRCh38, 1-based): chr6:137,219,288, C>T on the plus strand (G>A on the coding strand, the complement: IFNGR1 is on the minus strand). VCF-style: chr6-137219288-C-T. GRCh37 (hg19) VCF-style: chr6-137540425-C-T.
Other names: short protein forms V14M.
Identifiers: ClinVar variation 723758 (VCV000723758.15), dbSNP rs11575936, ClinGen allele CA4019105.

ClinVar aggregate classification (germline): Conflicting classifications of pathogenicity. Review status: criteria provided, conflicting classifications (1 of 4 stars). 2 submissions from 2 submitters: Uncertain significance (1); Benign (1). Last evaluated 2026-01-26.

Conditions:
Disseminated atypical mycobacterial infection. Identifiers: MedGen C0694566.
Immunodeficiency 27A (IMD27A). Also called: IMMUNODEFICIENCY 27A, MYCOBACTERIOSIS, AUTOSOMAL RECESSIVE; IFNGR1 DEFICIENCY, AUTOSOMAL RECESSIVE. Identifiers: Orphanet 319569, Orphanet 99898, MedGen C4011949, MONDO:0008856, OMIM 209950.

Allele frequency attached by ClinVar (database versions not stated): gnomAD 0.00040 and 0.00072; TOPMed 0.00067; gnomAD exomes 0.00132; ExAC 0.00178; 1000 Genomes Project 30x 0.00312; 1000 Genomes Project 0.00339.

Submissions (2):

Labcorp Genetics (formerly Invitae), Labcorp
Classification: Benign for Disseminated atypical mycobacterial infection. Last evaluated: 2026-01-26. Review status: criteria provided, single submitter. Criteria: Invitae Variant Classification Sherloc (09022015). Collection method: clinical testing. Allele origin: germline.

Illumina Laboratory Services, Illumina
Classification: Uncertain significance for Immunodeficiency 27A. Last evaluated: 2017-04-27. Review status: criteria provided, single submitter. Criteria: ICSL Variant Classification Criteria 13 December 2019. Collection method: clinical testing. Allele origin: germline.
Comment: This variant was observed as part of a predisposition screen in an ostensibly healthy population. A literature search was performed for the gene, cDNA change, and amino acid change (where applicable). Publications were found based on this search. However, the evidence from the literature, in combination with allele frequency data from public databases where available, was not sufficient to rule this variant in or out of causing disease. Therefore, this variant is classified as a variant of unknown significance.

Literature cited by the submitters: PubMed 12743658 (cited by Illumina Laboratory Services, Illumina).